The following is an entry in ClinVar:

ClinVar aggregate classification (germline): Benign. Review status: criteria provided, multiple submitters, no conflicts (2 of 4 stars). 6 submissions from 3 submitters: Benign (6). Last evaluated 2024-07-15.

Conditions:
Episodic ataxia type 2 (EA2). Also called: ACETAZOLAMIDE-RESPONSIVE HEREDITARY PAROXYSMAL CEREBELLAR ATAXIA; EPISODIC ATAXIA, NYSTAGMUS-ASSOCIATED; ATAXIA, EPISODIC, WITH NYSTAGMUS; ATAXIA, FAMILIAL PAROXYSMAL; CEREBELLAR ATAXIA, PAROXYSMAL, ACETAZOLAMIDE-RESPONSIVE; CEREBELLOPATHY, HEREDITARY PAROXYSMAL. Identifiers: Orphanet 97, MedGen C1720416, MONDO:0007163, OMIM 108500.
Migraine, familial hemiplegic, 1. Also called: MIGRAINE, FAMILIAL HEMIPLEGIC 1, WITH PROGRESSIVE CEREBELLAR ATAXIA. Identifiers: Orphanet 569, MedGen C1832884, MONDO:0020756, OMIM 141500, MONDO:0007714.
Developmental and epileptic encephalopathy, 42 (DEE42A). Also called: DEVELOPMENTAL AND EPILEPTIC ENCEPHALOPATHY 42A; EPILEPTIC ENCEPHALOPATHY, EARLY INFANTILE, 42A; Epileptic encephalopathy, early infantile, 42. Identifiers: MedGen C4310716, MONDO:0014917, OMIM 617106.
Spinocerebellar ataxia type 6 (SCA6). Identifiers: Orphanet 98758, MedGen C0752124, MONDO:0008457, OMIM 183086.

Submissions (6):

Unidad de Genómica Garrahan, Hospital de Pediatría Garrahan
Classification: Benign. Last evaluated: 2024-07-15. Review status: criteria provided, single submitter. Criteria: ACMG Guidelines, 2015. Collection method: clinical testing. Allele origin: germline. Affected: no. Observed: 82 variant alleles.
Comment: This variant is classified as Benign based on local population frequency. This variant was detected in 88% of patients studied in a panel designed for Epileptic and Developmental Encephalopathy and Progressive Myoclonus Epilepsy. Number of patients: 82. Only high quality variants are reported.

Genome-Nilou Lab
Classification: Benign for Developmental and epileptic encephalopathy, 42. Last evaluated: 2021-07-14. Review status: criteria provided, single submitter. Criteria: ACMG Guidelines, 2015. Collection method: clinical testing. Allele origin: germline. Affected: no.

Genome-Nilou Lab
Classification: Benign for Episodic ataxia type 2. Last evaluated: 2021-07-14. Review status: criteria provided, single submitter. Criteria: ACMG Guidelines, 2015. Collection method: clinical testing. Allele origin: germline. Affected: no.

Genome-Nilou Lab
Classification: Benign for Migraine, familial hemiplegic, 1. Last evaluated: 2021-07-14. Review status: criteria provided, single submitter. Criteria: ACMG Guidelines, 2015. Collection method: clinical testing. Allele origin: germline. Affected: no.

Genome-Nilou Lab
Classification: Benign for Spinocerebellar ataxia type 6. Last evaluated: 2021-07-14. Review status: criteria provided, single submitter. Criteria: ACMG Guidelines, 2015. Collection method: clinical testing. Allele origin: germline. Affected: no.

GeneDx
Classification: Benign. Last evaluated: 2018-06-25. Review status: criteria provided, single submitter. Criteria: GeneDx Variant Classification Process June 2021. Collection method: clinical testing. Allele origin: germline. Affected: yes.

NM_001127222.2(CACNA1A):c.6303+94del

Gene: CACNA1A (calcium voltage-gated channel subunit alpha1 A; minus strand). Cytogenetic location: 19p13.13.
Variant type: Deletion.
Coding change: c.6303+94del on transcript NM_001127222.2 (MANE Select); 94 bases into the intron after coding-DNA position 6303, one base deleted (C; older notation c.6303+94delC).
Molecular consequence: intron variant.
Genome position (GRCh38, 1-based): chr19:13,212,009, G deleted on the plus strand (C on the coding strand, the reverse complement: CACNA1A is on the minus strand); the first of 3 consecutive G bases (chr19:13,212,009-13,212,011); deleting any one gives the same sequence. VCF-style (leftmost placement, unchanged base first): chr19-13212008-AG-A. GRCh37 (hg19) VCF-style: chr19-13322822-AG-A.
Other names: c.6306+94del (NM_001127221.2); c.6312+94del (NM_001174080.2); c.6321+94del (NM_000068.4, NM_023035.3).
Identifiers: ClinVar variation 1192557 (VCV001192557.6), dbSNP rs3217380, ClinGen allele CA305550218.